The following is an entry in ClinVar:

ClinVar aggregate classification (germline): Uncertain significance. Review status: criteria provided, multiple submitters, no conflicts (2 of 4 stars). 3 submissions from 3 submitters: Uncertain significance (3). Last evaluated 2024-12-16.

Conditions:
Joubert syndrome 16 (JBTS16). Identifiers: Orphanet 2318, MedGen C3280906, MONDO:0013764, OMIM 614465.

Allele frequency attached by ClinVar (database versions not stated): gnomAD exomes below 0.00001.

Submissions (3):

GeneDx
Classification: Uncertain significance. Last evaluated: 2024-12-16. Review status: criteria provided, single submitter. Criteria: GeneDx Variant Classification Process June 2021. Collection method: clinical testing. Allele origin: germline. Affected: yes.
Comment: Not observed at significant frequency in large population cohorts (gnomAD); In silico analysis supports that this missense variant has a deleterious effect on protein structure/function; Has not been previously published as pathogenic or benign to our knowledge; This variant is associated with the following publications: (PMID: 22282472)

Victorian Clinical Genetics Services, Murdoch Childrens Research Institute
Classification: Uncertain significance for Joubert syndrome 16. Last evaluated: 2022-02-02. Review status: criteria provided, single submitter. Criteria: ACMG Guidelines, 2015. Collection method: clinical testing. Allele origin: germline. Inheritance: Autosomal recessive inheritance. Affected: yes.
Comment: Based on the classification scheme VCGS_Germline_v1.3.4, this variant is classified as VUS-3B. Following criteria are met: 0102 - Loss of function is a known mechanism of disease in this gene and is associated with Joubert syndrome 16 (MM#614465). (I) 0106 - This gene is associated with autosomal recessive disease. (I) 0200 - Variant is predicted to result in a missense amino acid change from serine to arginine. (I) 0252 - This variant is homozygous. (I) 0304 - Variant is present in gnomAD <0.01 for a recessive condition (v2: 1 heterozygote, 0 homozygotes). (SP) 0501 - Missense variant consistently predicted to be damaging by multiple in silico tools or highly conserved with a major amino acid change. (SP) 0600 - Variant is located in the annotated transmembrane protein domain (NCBI). (I) 0705 - No comparable missense variants have previous evidence for pathogenicity. (I) 0807 - This variant has no previous evidence of pathogenicity. (I) 0905 - No published segregation evidence has been identified for this variant. (I) 1007 - No published functional evidence has been identified for this variant. (I) Legend: (SP) - Supporting pathogenic, (I) - Information, (SB) - Supporting benign

Illumina Laboratory Services, Illumina
Classification: Uncertain significance for Joubert syndrome 16. Last evaluated: 2018-01-13. Review status: criteria provided, single submitter. Criteria: ICSL Variant Classification Criteria 13 December 2019. Collection method: clinical testing. Allele origin: germline.

NM_016464.5(TMEM138):c.274A>C (p.Ser92Arg)

Gene: TMEM138 (transmembrane protein 138; plus strand). Cytogenetic location: 11q12.2.
Variant type: single nucleotide variant.
Coding change: c.274A>C on transcript NM_016464.5 (MANE Select); coding-DNA position 274, A replaced by C.
Protein change: p.Ser92Arg; replaces serine 92 with arginine.
Molecular consequence: missense variant. On other transcripts: non-coding transcript variant (1).
Genome position (GRCh38, 1-based): chr11:61,366,190, A>C. VCF-style: chr11-61366190-A-C. GRCh37 (hg19) VCF-style: chr11-61133662-A-C.
Other names: c.100A>C, p.Ser34Arg (NM_001330281.2); short protein forms S34R, S92R.
Identifiers: ClinVar variation 880046 (VCV000880046.6), dbSNP rs1858145836, ClinGen allele CA380679346.
Genomic context (GRCh38, chr11:61,366,190, plus strand): 5'-AACCTCCTATTCCATAAGTTCAAAGGGACCATCATCCTGACAGCTGTGTACTTTGCCCTC[A>C]GCATCTCCCTTCATGTCTGGGTCATGGTAAGAGTGGCAGTCTGAATTCTTTTTTTAATTT-3'
Protein context (NP_057548.1, residues 82-102): IILTAVYFAL[Ser92Arg]ISLHVWVMNL